The following is an entry in ClinVar:

NM_006715.4(MAN2C1):c.228-6T>C

Gene: MAN2C1 (mannosidase alpha class 2C member 1; minus strand). Cytogenetic location: 15q24.2.
Variant type: single nucleotide variant.
Coding change: c.228-6T>C on transcript NM_006715.4 (MANE Select); 6 bases into the intron before coding-DNA position 228, T replaced by C.
Molecular consequence: intron variant.
Genome position (GRCh38, 1-based): chr15:75,367,640, A>G on the plus strand (T>C on the coding strand, the complement: MAN2C1 is on the minus strand). VCF-style: chr15-75367640-A-G. GRCh37 (hg19) VCF-style: chr15-75659981-A-G.
Other names: c.228-6T>C (NM_001256496.2, NM_001256495.2, NM_001256494.2).
Identifiers: ClinVar variation 5005461 (VCV005005461.2).

ClinVar aggregate classification (germline): Uncertain significance (1 of 4 stars; one submission).

Conditions:
Congenital disorder of deglycosylation 2 (CDDG2). Identifiers: MedGen C5676931, MONDO:0030770, OMIM 619775.

Submission:

Juno Genomics, Hangzhou Juno Genomics, Inc
Classification: Uncertain significance for Congenital disorder of deglycosylation 2. Review status: criteria provided, single submitter. Criteria: ACMG Guidelines, 2015. Collection method: clinical testing. Allele origin: germline.
Comment: Absent from controls (or at extremely low frequency if recessive) in Genome Aggregation Database.;Multiple lines of computational evidence support a deleterious effect on the gene or gene product.